The following is an entry in ClinVar:

ClinVar aggregate classification (germline): Benign/Likely benign. Review status: criteria provided, multiple submitters, no conflicts (2 of 4 stars). 3 submissions from 3 submitters: Benign (1); Likely benign (2). Last evaluated 2023-04-18.

Conditions:
Keratosis follicularis (DAR). Also called: Darier disease; Darier's disease. Identifiers: Orphanet 218, MedGen C0022595, MONDO:0007417, OMIM 124200.

Allele frequency attached by ClinVar (database versions not stated): ExAC 0.00007; gnomAD 0.00009 and 0.00010; gnomAD exomes 0.00010 and 0.00012; TOPMed 0.00014; ESP Exome Variant Server 0.00015.
gnomAD v4.1: 167 of 1,613,746 alleles (0.01%); highest among the groups gnomAD compares: Admixed American, 0.022%; no homozygotes.

Submissions (3):

Labcorp Genetics (formerly Invitae), Labcorp
Classification: Benign. Last evaluated: 2023-04-18. Review status: criteria provided, single submitter. Criteria: Invitae Variant Classification Sherloc (09022015). Collection method: clinical testing. Allele origin: germline.

Illumina Laboratory Services, Illumina
Classification: Likely benign for Keratosis follicularis. Last evaluated: 2018-01-13. Review status: criteria provided, single submitter. Criteria: ICSL Variant Classification Criteria 13 December 2019. Collection method: clinical testing. Allele origin: germline.
Comment: This variant was observed in the ICSL laboratory as part of a predisposition screen in an ostensibly healthy population. It had not been previously curated by ICSL or reported in the Human Gene Mutation Database (HGMD: prior to June 1st, 2018), and was therefore a candidate for classification through an automated scoring system. Utilizing variant allele frequency, disease prevalence and penetrance estimates, and inheritance mode, an automated score was calculated to assess if this variant is too frequent to cause the disease. Based on the score and internal cut-off values, a variant classified as likely benign is not then subjected to further curation. The score for this variant resulted in a classification of likely benign for this disease.

Breakthrough Genomics
Classification: Likely benign. Review status: criteria provided, single submitter. Criteria: ACMG Guidelines, 2015. Collection method: not provided. Allele origin: germline. Inheritance: Autosomal dominant inheritance. Affected: yes.

NM_170665.4(ATP2A2):c.1758T>C (p.Tyr586=)

Gene: ATP2A2 (ATPase sarcoplasmic/endoplasmic reticulum Ca2+ transporting 2; plus strand). Cytogenetic location: 12q24.11.
Variant type: single nucleotide variant.
Coding change: c.1758T>C on transcript NM_170665.4 (MANE Select); coding-DNA position 1758, T replaced by C.
Protein change: p.Tyr586=; no amino-acid change (tyrosine 586 retained).
Molecular consequence: synonymous variant.
Genome position (GRCh38, 1-based): chr12:110,339,718, T>C. VCF-style: chr12-110339718-T-C. GRCh37 (hg19) VCF-style: chr12-110777523-T-C.
Other names: c.1758T>C, p.Tyr586= (NM_001681.4).
Identifiers: ClinVar variation 307173 (VCV000307173.9), dbSNP rs145018250, ClinGen allele CA6783954.